The following is an entry in ClinVar:

NM_032539.5(SLITRK2):c.1920C>A (p.Phe640Leu)

Gene: SLITRK2 (SLIT and NTRK like family member 2; plus strand). Cytogenetic location: Xq27.3.
Variant type: single nucleotide variant.
Coding change: c.1920C>A on transcript NM_032539.5 (MANE Select); coding-DNA position 1920, C replaced by A.
Protein change: p.Phe640Leu; replaces phenylalanine 640 with leucine.
Molecular consequence: missense variant.
Genome position (GRCh38, 1-based): chrX:145,824,345, C>A. VCF-style: chrX-145824345-C-A. GRCh37 (hg19) VCF-style: chrX-144905863-C-A.
Other names: c.1920C>A, p.Phe640Leu (NM_001144003.3, NM_001144004.3, NM_001144005.3 and 4 more transcripts); short protein forms F640L.
Identifiers: ClinVar variation 4854119 (VCV004854119.1).

ClinVar aggregate classification (germline): Uncertain significance (1 of 4 stars; one submission).

Conditions:
Intellectual developmental disorder, X-linked 111 (XLID111). Identifiers: MedGen C5829568, MONDO:0957203, OMIM 301107.

Submission:

3billion
Classification: Uncertain significance for Intellectual developmental disorder, X-linked 111. Last evaluated: 2025-05-28. Review status: criteria provided, single submitter. Criteria: ACMG Guidelines, 2015. Collection method: clinical testing. Allele origin: germline. Affected: yes.
Comment: The variant is not observed in the gnomAD v4.1.0 dataset. Predicted Consequence/Location: Missense variant. Missense changes are a common disease-causing mechanism. Therefore, this variant is classified as VUS according to the recommendation of ACMG/AMP guideline.